The following is an entry in ClinVar:

ClinVar aggregate classification (germline): Uncertain significance (1 of 4 stars; one submission).

gnomAD v4.1: 1 of 1,587,006 alleles (0.000063%); highest among the groups gnomAD compares: Non-Finnish European, 0.000086%; no homozygotes.

Submission:

Labcorp Genetics (formerly Invitae), Labcorp
Classification: Uncertain significance. Last evaluated: 2024-01-31. Review status: criteria provided, single submitter. Criteria: Invitae Variant Classification Sherloc (09022015). Collection method: clinical testing. Allele origin: germline.
Comment: This sequence change replaces serine, which is neutral and polar, with arginine, which is basic and polar, at codon 2206 of the MYO7A protein (p.Ser2206Arg). This variant is not present in population databases (gnomAD no frequency). This variant has not been reported in the literature in individuals affected with MYO7A-related conditions. Advanced modeling of protein sequence and biophysical properties (such as structural, functional, and spatial information, amino acid conservation, physicochemical variation, residue mobility, and thermodynamic stability) performed at Invitae indicates that this missense variant is not expected to disrupt MYO7A protein function with a negative predictive value of 95%. In summary, the available evidence is currently insufficient to determine the role of this variant in disease. Therefore, it has been classified as a Variant of Uncertain Significance.

NM_000260.4(MYO7A):c.6618C>G (p.Ser2206Arg)

Gene: MYO7A (myosin VIIA; plus strand). Cytogenetic location: 11q13.5.
Variant type: single nucleotide variant.
Coding change: c.6618C>G on transcript NM_000260.4 (MANE Select); coding-DNA position 6618, C replaced by G.
Protein change: p.Ser2206Arg; replaces serine 2206 with arginine.
Molecular consequence: missense variant.
Genome position (GRCh38, 1-based): chr11:77,214,666, C>G. VCF-style: chr11-77214666-C-G. GRCh37 (hg19) VCF-style: chr11-76925711-C-G.
Other names: c.6498C>G, p.Ser2166Arg (NM_001127180.2); c.6471C>G, p.Ser2157Arg (NM_001369365.1); short protein forms S2206R, S2157R, S2166R.
Identifiers: ClinVar variation 3689206 (VCV003689206.2).